The following is an entry in ClinVar:

NM_021620.4(PRDM13):c.1277C>T (p.Ala426Val)

Gene: PRDM13 (PR/SET domain 13; plus strand). Cytogenetic location: 6q16.2.
Variant type: single nucleotide variant.
Coding change: c.1277C>T on transcript NM_021620.4 (MANE Select); coding-DNA position 1277, C replaced by T.
Protein change: p.Ala426Val; replaces alanine 426 with valine.
Molecular consequence: missense variant.
Genome position (GRCh38, 1-based): chr6:99,613,912, C>T. VCF-style: chr6-99613912-C-T. GRCh37 (hg19) VCF-style: chr6-100061788-C-T.
Other names: short protein forms A426V.
Identifiers: ClinVar variation 3694403 (VCV003694403.2).

ClinVar aggregate classification (germline): Uncertain significance (1 of 4 stars; one submission).

gnomAD v4.1: 1 of 1,584,472 alleles (0.000063%); highest among the groups gnomAD compares: Non-Finnish European, 0.000085%; no homozygotes.

Submission:

Labcorp Genetics (formerly Invitae), Labcorp
Classification: Uncertain significance. Last evaluated: 2024-07-30. Review status: criteria provided, single submitter. Criteria: Invitae Variant Classification Sherloc (09022015). Collection method: clinical testing. Allele origin: germline.
Comment: This sequence change replaces alanine, which is neutral and non-polar, with valine, which is neutral and non-polar, at codon 426 of the PRDM13 protein (p.Ala426Val). This variant is not present in population databases (gnomAD no frequency). This variant has not been reported in the literature in individuals affected with PRDM13-related conditions. An algorithm developed to predict the effect of missense changes on protein structure and function outputs the following: PolyPhen-2: "Benign". The valine amino acid residue is found in multiple mammalian species, which suggests that this missense change does not adversely affect protein function. In summary, the available evidence is currently insufficient to determine the role of this variant in disease. Therefore, it has been classified as a Variant of Uncertain Significance.